The following is an entry in ClinVar:

ClinVar aggregate classification (germline): Uncertain significance (1 of 4 stars; one submission).

Allele frequency attached by ClinVar (database versions not stated): TOPMed below 0.00001; gnomAD exomes 0.00001.
gnomAD v4.1: 11 of 1,612,680 alleles (0.00068%); highest among the groups gnomAD compares: Admixed American, 0.0017%; no homozygotes.

Submission:

Labcorp Genetics (formerly Invitae), Labcorp
Classification: Uncertain significance. Last evaluated: 2025-12-13. Review status: criteria provided, single submitter. Criteria: Invitae Variant Classification Sherloc (09022015). Collection method: clinical testing. Allele origin: germline.
Comment: This sequence change affects codon 162 of the CDC42 mRNA. It is a 'silent' change, meaning that it does not change the encoded amino acid sequence of the CDC42 protein. This variant also falls at the last nucleotide of exon 5, which is part of the consensus splice site for this exon. This variant is not present in population databases (gnomAD no frequency). This variant has not been reported in the literature in individuals affected with CDC42-related conditions. ClinVar contains an entry for this variant (Variation ID: 1491948). Variants that disrupt the consensus splice site are a relatively common cause of aberrant splicing (PMID: 17576681, 9536098). Algorithms developed to predict the effect of sequence changes on RNA splicing suggest that this variant may create or strengthen a splice site. In summary, the available evidence is currently insufficient to determine the role of this variant in disease. Therefore, it has been classified as a Variant of Uncertain Significance.

Literature cited by the submitters: PubMed 17576681; PubMed 9536098.

NM_001791.4(CDC42):c.486G>A (p.Gln162=)

Gene: CDC42 (cell division cycle 42; plus strand). Cytogenetic location: 1p36.12.
Variant type: single nucleotide variant.
Coding change: c.486G>A on transcript NM_001791.4 (MANE Select); coding-DNA position 486, G replaced by A.
Protein change: p.Gln162=; no amino-acid change (glutamine 162 retained).
Molecular consequence: synonymous variant.
Genome position (GRCh38, 1-based): chr1:22,086,866, G>A. VCF-style: chr1-22086866-G-A. GRCh37 (hg19) VCF-style: chr1-22413359-G-A.
Other names: c.486G>A, p.Gln162= (NM_001039802.2, NM_044472.3).
Identifiers: ClinVar variation 1491948 (VCV001491948.6), dbSNP rs1645666283, ClinGen allele CA416548252.
Genomic context (GRCh38, chr1:22,086,866, plus strand): 5'-TGAAAAGCTGGCCCGTGACCTGAAGGCTGTCAAGTATGTGGAGTGTTCTGCACTTACACA[G>A]GTAAGAATGGCATGAAACCCCATGTGTATTTATGGTCGAGTCATTTATTAGAGCATTAGG-3'
Protein context (NP_001782.1, residues 152-172): VKYVECSALT[Gln162=]KGLKNVFDEA